The following is an entry in ClinVar:

ClinVar aggregate classification (germline): Likely benign. Review status: criteria provided, multiple submitters, no conflicts (2 of 4 stars). 4 submissions from 4 submitters: Likely benign (4). Last evaluated 2025-03-01.

Conditions:
Hereditary cancer-predisposing syndrome. Also called: Hereditary Cancer Syndrome; Neoplastic Syndromes, Hereditary; Tumor predisposition; Hereditary neoplastic syndrome. Identifiers: Orphanet 140162, MedGen C0027672, MeSH D009386, MONDO:0015356.
Rhabdoid tumor predisposition syndrome 2 (RTPS2). Identifiers: Orphanet 231108, Orphanet 69077, MedGen C2750074, MONDO:0013224, OMIM 613325.

Allele frequency attached by ClinVar (database versions not stated): gnomAD exomes below 0.00001.
gnomAD v4.1: 2 of 1,610,838 alleles (0.00012%); highest among the groups gnomAD compares: South Asian, 0.0011%; no homozygotes.

Submissions (4):

CeGaT Center for Human Genetics Tuebingen
Classification: Likely benign. Last evaluated: 2025-03-01. Review status: criteria provided, single submitter. Criteria: CeGaT Center For Human Genetics Tuebingen Variant Classification Criteria Version 2. Collection method: clinical testing. Allele origin: germline. Affected: yes. Observed: 2 variant alleles.
Comment: SMARCA4: BP4, BP7

Blueprint Genetics
Classification: Likely benign. Last evaluated: 2024-02-07. Review status: criteria provided, single submitter. Criteria: ACMG Guidelines, 2015. Collection method: clinical testing. Allele origin: germline.

Labcorp Genetics (formerly Invitae), Labcorp
Classification: Likely benign for Rhabdoid tumor predisposition syndrome 2. Last evaluated: 2023-09-03. Review status: criteria provided, single submitter. Criteria: Invitae Variant Classification Sherloc (09022015). Collection method: clinical testing. Allele origin: germline.

Ambry Genetics
Classification: Likely benign for Hereditary cancer-predisposing syndrome. Last evaluated: 2019-03-07. Review status: criteria provided, single submitter. Criteria: Ambry Variant Classification Scheme 2023. Collection method: clinical testing. Allele origin: germline.

NM_003072.5(SMARCA4):c.807C>G (p.Pro269=)

Gene: SMARCA4 (SWI/SNF related BAF chromatin remodeling complex subunit ATPase 4; plus strand). Cytogenetic location: 19p13.2.
Variant type: single nucleotide variant.
Coding change: c.807C>G on transcript NM_003072.5 (MANE Select); coding-DNA position 807, C replaced by G.
Protein change: p.Pro269=; no amino-acid change (proline 269 retained).
Molecular consequence: synonymous variant. On other transcripts: non-coding transcript variant (1).
Genome position (GRCh38, 1-based): chr19:10,986,951, C>G. VCF-style: chr19-10986951-C-G. GRCh37 (hg19) VCF-style: chr19-11097627-C-G.
Other names: c.807C>G, p.Pro269= (NM_001128844.3, NM_001128845.2, NM_001128846.2 and 4 more transcripts).
Identifiers: ClinVar variation 827434 (VCV000827434.23), dbSNP rs1404558986, ClinGen allele CA505488701.